The following is an entry in ClinVar:

NM_001278.5(CHUK):c.106G>A (p.Glu36Lys)

Gene: CHUK (component of inhibitor of nuclear factor kappa B kinase complex; minus strand). Cytogenetic location: 10q24.31.
Variant type: single nucleotide variant.
Coding change: c.106G>A on transcript NM_001278.5 (MANE Select); coding-DNA position 106, G replaced by A.
Protein change: p.Glu36Lys; replaces glutamic acid 36 with lysine.
Molecular consequence: missense variant.
Genome position (GRCh38, 1-based): chr10:100,226,017, C>T on the plus strand (G>A on the coding strand, the complement: CHUK is on the minus strand). VCF-style: chr10-100226017-C-T. GRCh37 (hg19) VCF-style: chr10-101985774-C-T.
Other names: c.106G>A, p.Glu36Lys (NM_001320928.2); short protein forms E36K.
Identifiers: ClinVar variation 2043242 (VCV002043242.4), dbSNP rs2493110951, ClinGen allele CA378156931.

ClinVar aggregate classification (germline): Uncertain significance (1 of 4 stars; one submission).

Allele frequency attached by ClinVar (database versions not stated): gnomAD exomes below 0.00001.
gnomAD v4.1: 1 of 1,575,964 alleles (0.000063%); highest among the groups gnomAD compares: Non-Finnish European, 0.000087%; no homozygotes.

Submission:

Labcorp Genetics (formerly Invitae), Labcorp
Classification: Uncertain significance. Last evaluated: 2022-08-16. Review status: criteria provided, single submitter. Criteria: Invitae Variant Classification Sherloc (09022015). Collection method: clinical testing. Allele origin: germline.
Comment: In summary, the available evidence is currently insufficient to determine the role of this variant in disease. Therefore, it has been classified as a Variant of Uncertain Significance. Algorithms developed to predict the effect of missense changes on protein structure and function are either unavailable or do not agree on the potential impact of this missense change (SIFT: "Not Available"; PolyPhen-2: "Benign"; Align-GVGD: "Not Available"). This variant has not been reported in the literature in individuals affected with CHUK-related conditions. This variant is not present in population databases (gnomAD no frequency). This sequence change replaces glutamic acid, which is acidic and polar, with lysine, which is basic and polar, at codon 36 of the CHUK protein (p.Glu36Lys).